The following is an entry in ClinVar:

NM_014562.4(OTX1):c.676G>A (p.Gly226Ser)

Gene: OTX1 (orthodenticle homeobox 1; plus strand). Cytogenetic location: 2p15.
Variant type: single nucleotide variant.
Coding change: c.676G>A on transcript NM_014562.4 (MANE Select); coding-DNA position 676, G replaced by A.
Protein change: p.Gly226Ser; replaces glycine 226 with serine.
Molecular consequence: missense variant. On other transcripts: non-coding transcript variant (1).
Genome position (GRCh38, 1-based): chr2:63,055,927, G>A. VCF-style: chr2-63055927-G-A. GRCh37 (hg19) VCF-style: chr2-63283062-G-A.
Other names: NC_000002.11:g.63283062G>A; c.676G>A, p.Gly226Ser (NM_001199770.2); c.676G>A (NM_001199770.1); short protein forms G226S.
Identifiers: ClinVar variation 710892 (VCV000710892.7), dbSNP rs61742369, ClinGen allele CA1681859.
Genomic context (GRCh38, chr2:63,055,927, plus strand): 5'-ATGCAGCGCTCCGTAGCTGCAGGCGCCGCCACCGCAGCAGCCTCTTATCCCATGTCCTAC[G>A]GCCAGGGCGGCAGCTACGGCCAAGGCTACCCTACGCCCTCCTCTTCCTACTTTGGCGGCG-3'
Protein context (NP_055377.1, residues 216-236): TAAASYPMSY[Gly226Ser]QGGSYGQGYP

ClinVar aggregate classification (germline): Benign. Review status: criteria provided, single submitter (1 of 4 stars). 2 submissions from 2 submitters: Benign (1). 1 of the submissions does not count toward it. Last evaluated 2019-12-31.

Conditions:
OTX1-related disorder. Also called: OTX1-related condition.

Allele frequency attached by ClinVar (database versions not stated): gnomAD 0.00751 and 0.00803; 1000 Genomes Project 0.00938; ESP Exome Variant Server 0.01030; TOPMed 0.00824; 1000 Genomes Project 30x 0.00874.
gnomAD v4.1: 2,319 of 1,612,628 alleles (0.14%); highest among the groups gnomAD compares: African/African-American, 2.6%; 25 homozygotes.

Submissions (4):

Labcorp Genetics (formerly Invitae), Labcorp
Classification: Benign. Last evaluated: 2019-12-31. Review status: criteria provided, single submitter. Criteria: Invitae Variant Classification Sherloc (09022015). Collection method: clinical testing. Allele origin: germline.

PreventionGenetics, part of Exact Sciences
Classification: Benign for OTX1-related condition. Last evaluated: 2019-03-01. Review status: no assertion criteria provided. Collection method: clinical testing. Allele origin: germline. Not counted in ClinVar's aggregate classification.
Comment: This variant is classified as benign based on ACMG/AMP sequence variant interpretation guidelines (Richards et al. 2015 PMID: 25741868, with internal and published modifications).

Dr. Peter K. Rogan Lab, Western University
No classification provided (evidence only). Condition: Lung cancer. Review status: no classification provided. Collection method: in vitro. Allele origin: not applicable. Functional consequence: retained intron. Not counted in ClinVar's aggregate classification.

Dr. Peter K. Rogan Lab, Western University
No classification provided (evidence only). Condition: Uterine carcinosarcoma. Review status: no classification provided. Collection method: in vitro. Allele origin: not applicable. Functional consequence: retained intron. Not counted in ClinVar's aggregate classification.